The following is an entry in ClinVar:

NM_001242882.2(NAXD):c.840-36A>G

Gene: NAXD (NAD(P)HX dehydratase; plus strand). Cytogenetic location: 13q34.
Variant type: single nucleotide variant.
Coding change: c.840-36A>G on transcript NM_001242882.2 (MANE Select); 36 bases into the intron before coding-DNA position 840, A replaced by G.
Molecular consequence: intron variant. On other transcripts: missense variant (1).
Genome position (GRCh38, 1-based): chr13:110,638,342, A>G. VCF-style: chr13-110638342-A-G. GRCh37 (hg19) VCF-style: chr13-111290689-A-G.
Other names: c.994A>G (NM_018210.3); c.994A>G, p.Thr332Ala (NM_018210.4); c.564-36A>G (NM_001242883.2); c.894-36A>G (NM_001242881.2); short protein forms T332A.
Identifiers: ClinVar variation 2157065 (VCV002157065.5), dbSNP rs149228242, ClinGen allele CA7051429.
Genomic context (GRCh38, chr13:110,638,342, plus strand): 5'-ATTGAAACAGGAGTCAAAACCAGAGCCCAGGGTAGCTGCGGCCCCCGGACCACGACGCCC[A>G]CTTCCCCACACCTCCTGCTGTCCCCCTCTCCGCAGGTCCAGCCCTCTCCTGGTGGCCGCG-3'

ClinVar aggregate classification (germline): Likely benign. Review status: criteria provided, multiple submitters, no conflicts (2 of 4 stars). 2 submissions from 2 submitters: Likely benign (2). Last evaluated 2025-12-19.

Conditions:
NAXD-related disorder. Also called: NAXD-related condition.

Allele frequency attached by ClinVar (database versions not stated): ExAC 0.00022; TOPMed 0.00061; 1000 Genomes Project 30x 0.00062; gnomAD 0.00063; 1000 Genomes Project 0.00080; ESP Exome Variant Server 0.00115.

Submissions (2):

Labcorp Genetics (formerly Invitae), Labcorp
Classification: Likely benign. Last evaluated: 2025-12-19. Review status: criteria provided, single submitter. Criteria: Invitae Variant Classification Sherloc (09022015). Collection method: clinical testing. Allele origin: germline.

PreventionGenetics, part of Exact Sciences
Classification: Likely benign for NAXD-related condition. Last evaluated: 2025-11-02. Review status: criteria provided, single submitter. Criteria: ACMG Guidelines, 2015. Collection method: clinical testing. Allele origin: germline.
Comment: This variant is classified as likely benign based on ACMG/AMP sequence variant interpretation guidelines (Richards et al. 2015 PMID: 25741868, with internal and published modifications).